The following is an entry in ClinVar:

ClinVar aggregate classification (germline): Benign/Likely benign. Review status: criteria provided, multiple submitters, no conflicts (2 of 4 stars). 2 submissions from 2 submitters: Benign (1); Likely benign (1). Last evaluated 2026-01-12.

Submissions (3):

Labcorp Genetics (formerly Invitae), Labcorp
Classification: Likely benign. Last evaluated: 2026-01-12. Review status: criteria provided, single submitter. Criteria: Invitae Variant Classification Sherloc (09022015). Collection method: clinical testing. Allele origin: germline.

CeGaT Center for Human Genetics Tuebingen
Classification: Benign. Last evaluated: 2022-07-01. Review status: criteria provided, single submitter. Criteria: CeGaT Center For Human Genetics Tuebingen Variant Classification Criteria Version 2. Collection method: clinical testing. Allele origin: germline. Affected: yes. Observed: 1 variant allele.
Comment: TOP2B: BS1, BS2

Dr. Peter K. Rogan Lab, Western University
No classification provided (evidence only). Condition: Colon adenocarcinoma. Review status: no classification provided. Collection method: in vitro. Allele origin: not applicable. Functional consequence: retained intron. Not counted in ClinVar's aggregate classification.

NM_001330700.2(TOP2B):c.396-29_396-5del

Gene: TOP2B (DNA topoisomerase II beta; minus strand). Cytogenetic location: 3p24.2.
Variant type: Deletion.
Coding change: c.396-29_396-5del on transcript NM_001330700.2 (MANE Select); 29 bases into the intron before coding-DNA position 396 through 5 bases into the intron before coding-DNA position 396, 25 bases deleted (TTTTTTTTTTTTTTTTTTTTTTTTT).
Molecular consequence: intron variant.
Genome position (GRCh38, 1-based): chr3:25,638,315-25,638,339, AAAAAAAAAAAAAAAAAAAAAAAAA deleted on the plus strand (TTTTTTTTTTTTTTTTTTTTTTTTT on the coding strand, the reverse complement: TOP2B is on the minus strand); deleting any 25 consecutive bases within chr3:25,638,315-25,638,352 gives the same sequence; the c. name uses the placement nearest the transcript's 3' end. VCF-style (leftmost placement, unchanged base first): chr3-25638314-TAAAAAAAAAAAAAAAAAAAAAAAAA-T. GRCh37 (hg19) VCF-style: chr3-25679805-TAAAAAAAAAAAAAAAAAAAAAAAAA-T.
Other names: NC_000003.11:g.25679819_25679843del; c.396-42_396-18del (NM_001330700.2); c.381-29_381-5del (NM_001068.3).
Identifiers: ClinVar variation 1666342 (VCV001666342.32), dbSNP rs56986587, ClinGen allele CA2288897.